The following is an entry in ClinVar:

ClinVar aggregate classification (germline): Uncertain significance. Review status: criteria provided, multiple submitters, no conflicts (2 of 4 stars). 6 submissions from 6 submitters: Uncertain significance (6). Last evaluated 2026-08-11.

Conditions:
Cardiovascular phenotype. Identifiers: MedGen CN230736.
Familial hypercholesterolemia. Also called: Familial hypercholesterolemias; Familial hypercholesterolaemia. Identifiers: MedGen C0020445, MONDO:0005439.
Hypercholesterolemia, autosomal dominant, 3 (FHCL3). Also called: Familial hypercholesterolemia 3; Familial Hypercholesterolemia, Autosomal Dominant, 3; PCSK9-Related Familial Hypercholesterolemia, Autosomal Dominant. Identifiers: MedGen C1863551, MONDO:0011369, OMIM 603776.

Allele frequency attached by ClinVar (database versions not stated): gnomAD 0.00001; gnomAD exomes 0.00002; TOPMed 0.00002.

Submissions (6):

Cambridge Genomics Laboratory, East Genomic Laboratory Hub, NHS Genomic Medicine Service
Classification: Uncertain significance for Familial hypercholesterolaemia. Last evaluated: 2026-08-11. Review status: criteria provided, single submitter. Criteria: ACGS Best Practice Guidelines for Variant Classification in Rare Disease 2020. Collection method: clinical testing. Allele origin: germline. Affected: yes.

Labcorp Genetics (formerly Invitae), Labcorp
Classification: Uncertain significance for Hypercholesterolemia, autosomal dominant, 3. Last evaluated: 2025-05-28. Review status: criteria provided, single submitter. Criteria: Invitae Variant Classification Sherloc (09022015). Collection method: clinical testing. Allele origin: germline.
Comment: This sequence change replaces serine, which is neutral and polar, with asparagine, which is neutral and polar, at codon 178 of the PCSK9 protein (p.Ser178Asn). This variant is present in population databases (no rsID available, gnomAD 0.006%). This variant has not been reported in the literature in individuals affected with PCSK9-related conditions. ClinVar contains an entry for this variant (Variation ID: 924859). Invitae Evidence Modeling of protein sequence and biophysical properties (such as structural, functional, and spatial information, amino acid conservation, physicochemical variation, residue mobility, and thermodynamic stability) indicates that this missense variant is not expected to disrupt PCSK9 protein function with a negative predictive value of 80%. In summary, the available evidence is currently insufficient to determine the role of this variant in disease. Therefore, it has been classified as a Variant of Uncertain Significance.

Ambry Genetics
Classification: Uncertain significance for Cardiovascular phenotype. Last evaluated: 2024-09-22. Review status: criteria provided, single submitter. Criteria: Ambry Variant Classification Scheme 2023. Collection method: clinical testing. Allele origin: germline.
Comment: The p.S178N variant (also known as c.533G>A), located in coding exon 4 of the PCSK9 gene, results from a G to A substitution at nucleotide position 533. The serine at codon 178 is replaced by asparagine, an amino acid with highly similar properties. This amino acid position is conserved. In addition, this alteration is predicted to be tolerated by in silico analysis. Based on the available evidence, the clinical significance of this variant remains unclear.

All of Us Research Program, National Institutes of Health
Classification: Uncertain significance for Hypercholesterolemia, autosomal dominant, 3. Last evaluated: 2024-07-20. Review status: criteria provided, single submitter. Criteria: ACMG Guidelines, 2015. Collection method: clinical testing. Allele origin: germline. Inheritance: Autosomal dominant inheritance. Observed: 5 variant alleles, 5 heterozygotes.
Comment: This missense variant replaces serine with asparagine at codon 178 of the PCSK9 protein. Computational prediction tools and conservation analyses suggest that this variant may not impact the protein function. Computational splicing tools suggest that this variant may not impact RNA splicing. To our knowledge, functional assays have not been performed for this variant nor has this variant been reported in individuals affected with familial hypercholesterolemia in the literature. This variant has been identified in 4/251356 chromosomes in the general population by the Genome Aggregation Database (gnomAD). Available evidence is insufficient to determine the role of this variant in disease conclusively. Therefore, this variant is classified as a Variant of Uncertain Significance.

This study involves interpretation of variants in research participants for the purpose of population health screening. Participant phenotype was not available at the time of variant classification. Additional details can be found in publication PMID: 35346344, PMCID: PMC8962531

Color Diagnostics, LLC DBA Color Health
Classification: Uncertain significance for Familial hypercholesterolemia. Last evaluated: 2024-03-06. Review status: criteria provided, single submitter. Criteria: ACMG Guidelines, 2015. Collection method: clinical testing. Allele origin: germline.
Comment: This missense variant replaces serine with asparagine at codon 178 of the PCSK9 protein. Computational prediction suggests that this variant may not impact protein structure and function (internally defined REVEL score threshold <= 0.5, PMID: 27666373). To our knowledge, functional studies have not been reported for this variant. This variant has not been reported in individuals affected with PCSK9-related disorders in the literature. This variant has been identified in 4/251356 chromosomes in the general population by the Genome Aggregation Database (gnomAD). The available evidence is insufficient to determine the role of this variant in disease conclusively. Therefore, this variant is classified as a Variant of Uncertain Significance.

Fulgent Genetics
Classification: Uncertain significance for Hypercholesterolemia, autosomal dominant, 3. Last evaluated: 2021-09-01. Review status: criteria provided, single submitter. Criteria: ACMG Guidelines, 2015. Collection method: clinical testing. Allele origin: unknown.

NM_174936.4(PCSK9):c.533G>A (p.Ser178Asn)

Gene: PCSK9 (proprotein convertase subtilisin/kexin type 9; plus strand). Cytogenetic location: 1p32.3.
Variant type: single nucleotide variant.
Coding change: c.533G>A on transcript NM_174936.4 (MANE Select); coding-DNA position 533, G replaced by A.
Protein change: p.Ser178Asn; replaces serine 178 with asparagine.
Molecular consequence: missense variant.
Genome position (GRCh38, 1-based): chr1:55,052,287, G>A. VCF-style: chr1-55052287-G-A. GRCh37 (hg19) VCF-style: chr1-55517960-G-A.
Other names: c.656G>A, p.Ser219Asn (NM_001407240.1); c.533G>A, p.Ser178Asn (NM_001407241.1, NM_001407242.1, NM_001407244.1 and 1 more transcripts); c.476G>A, p.Ser159Asn (NM_001407243.1); c.341G>A, p.Ser114Asn (NM_001407245.1); c.158G>A, p.Ser53Asn (NM_001407246.1); short protein forms S178N, S114N, S53N, S159N, S219N.
Identifiers: ClinVar variation 924859 (VCV000924859.15), dbSNP rs755818478, ClinGen allele CA340471153.